The following is an entry in ClinVar:

NM_177550.5(SLC13A5):c.231+46CT[2]

Gene: SLC13A5 (solute carrier family 13 member 5; minus strand). Cytogenetic location: 17p13.1.
Variant type: Microsatellite.
Coding change: c.231+46CT[2] on transcript NM_177550.5 (MANE Select); two copies in a row of the 2-base unit CT starting at c.231+46; the reference has three copies in a row; one copy, 2 bases deleted.
Molecular consequence: intron variant.
Genome position (GRCh38, 1-based): chr17:6,706,977-6,706,978, AG deleted on the plus strand (CT on the coding strand, the reverse complement: SLC13A5 is on the minus strand); deleting any 2 consecutive bases within chr17:6,706,977-6,706,983 gives the same sequence; the position shown is the placement nearest the transcript's 3' end. VCF-style (leftmost placement, unchanged base first): chr17-6706976-AAG-A. GRCh37 (hg19) VCF-style: chr17-6610295-AAG-A.
Other names: c.103-204CT[2] (NM_001284510.2); c.231+46CT[2] (NM_001284509.2, NM_001143838.3).
Identifiers: ClinVar variation 670547 (VCV000670547.1), dbSNP rs144316437, ClinGen allele CA287397332.
Genomic context (GRCh38, chr17:6,706,976, plus strand): 5'-CACAAATGAGGGTTTTCCGGTCACCCCCAGGCCTGTGCGACTCACAGTGGGGACTAGAGA[AAG>A]AGAGAAGGGGAGAACCAGAAAGTCACCAGGATCCCTTGGGTCTGCTCACCTGCCTGGAGT-3'

ClinVar aggregate classification (germline): Benign (1 of 4 stars; one submission).

Submission:

GeneDx
Classification: Benign. Last evaluated: 2018-06-19. Review status: criteria provided, single submitter. Criteria: GeneDx Variant Classification (06012015). Collection method: clinical testing. Allele origin: germline. Affected: yes.
Comment: This variant is considered likely benign or benign based on one or more of the following criteria: it is a conservative change, it occurs at a poorly conserved position in the protein, it is predicted to be benign by multiple in silico algorithms, and/or has population frequency not consistent with disease.